The following is an entry in ClinVar:

NM_001458.5(FLNC):c.7213T>A (p.Ser2405Thr)

Genes: FLNC-AS1 (FLNC antisense RNA 1; minus strand), FLNC (filamin C; plus strand). Cytogenetic location: 7q32.1.
Variant type: single nucleotide variant.
Coding change: c.7213T>A on transcript NM_001458.5 (MANE Select); coding-DNA position 7213, T replaced by A.
Protein change: p.Ser2405Thr; replaces serine 2405 with threonine.
Molecular consequence: missense variant.
Genome position (GRCh38, 1-based): chr7:128,855,276, T>A. VCF-style: chr7-128855276-T-A. GRCh37 (hg19) VCF-style: chr7-128495330-T-A.
Other names: c.7114T>A, p.Ser2372Thr (NM_001127487.2); short protein forms S2372T, S2405T.
Identifiers: ClinVar variation 4812474 (VCV004812474.1).

ClinVar aggregate classification (germline): Uncertain significance (1 of 4 stars; one submission).

Conditions:
Hypertrophic cardiomyopathy 26. Also called: Cardiomyopathy, familial hypertrophic, 26. Identifiers: Orphanet 75249, MedGen C4310749, MONDO:0014883, OMIM 617047.
Myofibrillar myopathy 5. Also called: Filaminopathy (type); FILAMINOPATHY, AUTOSOMAL DOMINANT. Identifiers: Orphanet 171445, MedGen C1836050, MONDO:0012289, OMIM 609524.
Distal myopathy with posterior leg and anterior hand involvement. Also called: WILLIAMS DISTAL MYOPATHY. Identifiers: Orphanet 63273, MedGen C3279722, MONDO:0013550, OMIM 614065.

Submission:

Labcorp Genetics (formerly Invitae), Labcorp
Classification: Uncertain significance for Distal myopathy with posterior leg and anterior hand involvement; Myofibrillar myopathy 5; Hypertrophic cardiomyopathy 26. Last evaluated: 2025-04-13. Review status: criteria provided, single submitter. Criteria: Invitae Variant Classification Sherloc (09022015). Collection method: clinical testing. Allele origin: germline.
Comment: This sequence change replaces serine, which is neutral and polar, with threonine, which is neutral and polar, at codon 2405 of the FLNC protein (p.Ser2405Thr). This variant is not present in population databases (gnomAD no frequency). This variant has not been reported in the literature in individuals affected with FLNC-related conditions. An algorithm developed to predict the effect of missense changes on protein structure and function (PolyPhen-2) suggests that this variant is likely to be tolerated. In summary, the available evidence is currently insufficient to determine the role of this variant in disease. Therefore, it has been classified as a Variant of Uncertain Significance.